The following is an entry in ClinVar:

NM_006231.4(POLE):c.2452T>A (p.Tyr818Asn)

Gene: POLE (DNA polymerase epsilon, catalytic subunit; minus strand). Cytogenetic location: 12q24.33.
Variant type: single nucleotide variant.
Coding change: c.2452T>A on transcript NM_006231.4 (MANE Select); coding-DNA position 2452, T replaced by A.
Protein change: p.Tyr818Asn; replaces tyrosine 818 with asparagine.
Molecular consequence: missense variant.
Genome position (GRCh38, 1-based): chr12:132,665,318, A>T on the plus strand (T>A on the coding strand, the complement: POLE is on the minus strand). VCF-style: chr12-132665318-A-T. GRCh37 (hg19) VCF-style: chr12-133241904-A-T.
Other names: short protein forms Y818N.
Identifiers: ClinVar variation 1046672 (VCV001046672.11), dbSNP rs1182370552, ClinGen allele CA387396951.

ClinVar aggregate classification (germline): Uncertain significance. Review status: criteria provided, multiple submitters, no conflicts (2 of 4 stars). 2 submissions from 2 submitters: Uncertain significance (2). Last evaluated 2025-06-25.

Conditions:
Hereditary cancer-predisposing syndrome. Also called: Hereditary Cancer Syndrome; Tumor predisposition; Hereditary neoplastic syndrome; Neoplastic Syndromes, Hereditary. Identifiers: Orphanet 140162, MedGen C0027672, MeSH D009386, MONDO:0015356.

Allele frequency attached by ClinVar (database versions not stated): gnomAD exomes below 0.00001.

Submissions (2):

Labcorp Genetics (formerly Invitae), Labcorp
Classification: Uncertain significance. Last evaluated: 2025-06-25. Review status: criteria provided, single submitter. Criteria: Invitae Variant Classification Sherloc (09022015). Collection method: clinical testing. Allele origin: germline.
Comment: This sequence change replaces tyrosine, which is neutral and polar, with asparagine, which is neutral and polar, at codon 818 of the POLE protein (p.Tyr818Asn). This variant is present in population databases (no rsID available, gnomAD 0.0009%). This variant has not been reported in the literature in individuals affected with POLE-related conditions. ClinVar contains an entry for this variant (Variation ID: 1046672). Invitae Evidence Modeling of protein sequence and biophysical properties (such as structural, functional, and spatial information, amino acid conservation, physicochemical variation, residue mobility, and thermodynamic stability) indicates that this missense variant is expected to disrupt POLE protein function with a positive predictive value of 80%. In summary, the available evidence is currently insufficient to determine the role of this variant in disease. Therefore, it has been classified as a Variant of Uncertain Significance.

Ambry Genetics
Classification: Uncertain significance for Hereditary cancer-predisposing syndrome. Last evaluated: 2024-02-03. Review status: criteria provided, single submitter. Criteria: Ambry Variant Classification Scheme 2023. Collection method: clinical testing. Allele origin: germline.
Comment: The p.Y818N variant (also known as c.2452T>A), located in coding exon 21 of the POLE gene, results from a T to A substitution at nucleotide position 2452. The tyrosine at codon 818 is replaced by asparagine, an amino acid with dissimilar properties. This amino acid position is conserved. In addition, this alteration is predicted to be deleterious by in silico analysis. Since supporting evidence is limited at this time, the clinical significance of this alteration remains unclear.